The following is an entry in ClinVar:

ClinVar aggregate classification (germline): Pathogenic (1 of 4 stars; one submission).

Conditions:
Glycogen storage disease type III (GSD3). Also called: Cori disease; FORBES DISEASE. Identifiers: Orphanet 366, MedGen C0017922, MONDO:0009291, OMIM 232400.

Submission:

Labcorp Genetics (formerly Invitae), Labcorp
Classification: Pathogenic for Glycogen storage disease type III. Last evaluated: 2020-05-20. Review status: criteria provided, single submitter. Criteria: Invitae Variant Classification Sherloc (09022015). Collection method: clinical testing. Allele origin: germline.
Comment: For these reasons, this variant has been classified as Pathogenic. Loss-of-function variants in AGL are known to be pathogenic (PMID: 19299494). This variant has not been reported in the literature in individuals with AGL-related conditions. This variant is not present in population databases (ExAC no frequency). This sequence change creates a premature translational stop signal (p.Lys1407Ilefs*14) in the AGL gene. It is expected to result in an absent or disrupted protein product.

Literature cited by the submitters: PubMed 19299494.

NM_000642.3(AGL):c.4220_4221del (p.Lys1407fs)

Gene: AGL (amylo-alpha-1,6-glucosidase and 4-alpha-glucanotransferase; plus strand). Cytogenetic location: 1p21.2.
Variant type: Deletion.
Coding change: c.4220_4221del on transcript NM_000642.3 (MANE Select); coding-DNA positions 4220 to 4221, 2 bases deleted (AA; older notation c.4220_4221delAA).
Protein change: p.Lys1407fs; shifts the reading frame from lysine 1407.
Molecular consequence: frameshift variant.
Genome position (GRCh38, 1-based): chr1:99,915,447-99,915,448, AA deleted; deleting any 2 consecutive bases within chr1:99,915,441-99,915,448 gives the same sequence; the c. name uses the placement nearest the transcript's 3' end. VCF-style (leftmost placement, unchanged base first): chr1-99915440-GAA-G. GRCh37 (hg19) VCF-style: chr1-100380996-GAA-G.
Other names: c.4220_4221delAA, p.Lys1407Ilefs (NM_000028.3, NM_000643.3, NM_000644.3 and 1 more transcripts); c.4172_4173delAA, p.Lys1391Ilefs (NM_000646.3); c.4199_4200delAA, p.Lys1400Ilefs (NM_001425326.1); c.4019_4020delAA, p.Lys1340Ilefs (NM_001425327.1); c.4016_4017delAA, p.Lys1339Ilefs (NM_001425328.1); c.3881_3882delAA, p.Lys1294Ilefs (NM_001425329.1); c.3842_3843delAA, p.Lys1281Ilefs (NM_001425332.1); short protein forms K1391fs, K1407fs.
Identifiers: ClinVar variation 1069636 (VCV001069636.7), dbSNP rs786204655, ClinGen allele CA2499214929.